The following is an entry in ClinVar:

ClinVar aggregate classification (germline): Uncertain significance. Review status: criteria provided, multiple submitters, no conflicts (2 of 4 stars). 7 submissions from 6 submitters: Uncertain significance (6). 1 of the submissions does not count toward it. Last evaluated 2025-03-24.

Conditions:
Inborn genetic diseases. Identifiers: MedGen C0950123, MeSH D030342.
Retinal dystrophy. Also called: Inherited retinal dystrophy. Identifiers: Orphanet 71862, MedGen C0854723, MeSH D058499, MONDO:0019118, HP:0000556.
Usher syndrome type 2A. Also called: RETINAL DISEASE IN USHER SYNDROME TYPE IIA, MODIFIER OF; USHER SYNDROME, TYPE IIA. Identifiers: Orphanet 231178, Orphanet 886, MedGen C1848634, MONDO:0010169, OMIM 276901.
Retinitis pigmentosa 39 (RP39). Identifiers: Orphanet 791, MedGen C3151138, MONDO:0013436, OMIM 613809.

Allele frequency attached by ClinVar (database versions not stated): gnomAD 0.00001; TOPMed 0.00001; ExAC 0.00002; gnomAD exomes 0.00002.
gnomAD v4.1: 25 of 1,613,846 alleles (0.0015%); highest among the groups gnomAD compares: South Asian, 0.0044%; 1 homozygote.

Submissions (7):

Ambry Genetics
Classification: Uncertain significance for Inborn genetic diseases. Last evaluated: 2025-03-24. Review status: criteria provided, single submitter. Criteria: Ambry Variant Classification Scheme 2023. Collection method: clinical testing. Allele origin: germline.

GeneDx
Classification: Uncertain significance. Last evaluated: 2024-12-20. Review status: criteria provided, single submitter. Criteria: GeneDx Variant Classification Process June 2021. Collection method: clinical testing. Allele origin: germline.
Comment: Not observed at significant frequency in large population cohorts (gnomAD); In silico analysis indicates that this missense variant does not alter protein structure/function; Has not been previously published as pathogenic or benign to our knowledge

Blueprint Genetics
Classification: Uncertain significance. Last evaluated: 2024-11-06. Review status: criteria provided, single submitter. Criteria: ACMG Guidelines, 2015. Collection method: clinical testing. Allele origin: germline.

Genome-Nilou Lab
Classification: Uncertain significance for Retinitis pigmentosa 39. Last evaluated: 2023-11-04. Review status: criteria provided, single submitter. Criteria: ACMG Guidelines, 2015. Collection method: clinical testing. Allele origin: germline. Affected: no.

Genome-Nilou Lab
Classification: Uncertain significance for Usher syndrome type 2A. Last evaluated: 2023-11-04. Review status: criteria provided, single submitter. Criteria: ACMG Guidelines, 2015. Collection method: clinical testing. Allele origin: germline. Affected: no.

Labcorp Genetics (formerly Invitae), Labcorp
Classification: Uncertain significance. Last evaluated: 2022-05-07. Review status: criteria provided, single submitter. Criteria: Invitae Variant Classification Sherloc (09022015). Collection method: clinical testing. Allele origin: germline.
Comment: This sequence change replaces arginine, which is basic and polar, with glutamine, which is neutral and polar, at codon 3258 of the USH2A protein (p.Arg3258Gln). This variant is present in population databases (rs767694082, gnomAD 0.006%). This variant has not been reported in the literature in individuals affected with USH2A-related conditions. Algorithms developed to predict the effect of missense changes on protein structure and function are either unavailable or do not agree on the potential impact of this missense change (SIFT: "Deleterious"; PolyPhen-2: "Probably Damaging"; Align-GVGD: "Class C0"). In summary, the available evidence is currently insufficient to determine the role of this variant in disease. Therefore, it has been classified as a Variant of Uncertain Significance.

Institute of Human Genetics, Univ. Regensburg, Univ. Regensburg
Classification: Uncertain significance for Retinal dystrophy. Last evaluated: 2021-01-01. Review status: no assertion criteria provided. Criteria: ACMG Guidelines, 2015. Collection method: clinical testing. Allele origin: germline. Affected: yes. Not counted in ClinVar's aggregate classification.

NM_206933.4(USH2A):c.9773G>A (p.Arg3258Gln)

Gene: USH2A (usherin; minus strand). Cytogenetic location: 1q41.
Variant type: single nucleotide variant.
Coding change: c.9773G>A on transcript NM_206933.4 (MANE Select); coding-DNA position 9773, G replaced by A.
Protein change: p.Arg3258Gln; replaces arginine 3258 with glutamine.
Molecular consequence: missense variant.
Genome position (GRCh38, 1-based): chr1:215,799,092, C>T on the plus strand (G>A on the coding strand, the complement: USH2A is on the minus strand). VCF-style: chr1-215799092-C-T. GRCh37 (hg19) VCF-style: chr1-215972434-C-T.
Other names: short protein forms R3258Q.
Identifiers: ClinVar variation 1707966 (VCV001707966.10), dbSNP rs767694082, ClinGen allele CA1394203.